The following is an entry in ClinVar:

ClinVar aggregate classification (germline): Pathogenic. Review status: criteria provided, multiple submitters, no conflicts (2 of 4 stars). 10 submissions from 10 submitters: Pathogenic (9). 1 of the submissions does not count toward it. Last evaluated 2026-08-06.

Conditions:
Hereditary neuropathy or pain disorder.
MMACHC-related disorder. Also called: MMACHC-related condition.
Cobalamin C disease. Also called: Methylmalonic aciduria with homocystinuria cblC type; Methylmalonic aciduria and homocystinuria, Vitamin B12-responsive; Vitamin B12 metabolic defect with combined deficiency of methylmalonyl-CoA mutase and homocysteine:methyltetrahydrofolate methyltransferase; Cobalamin-C methylmalonic acidemia and homocystinuria; Methylmalonic acidemia and homocystinuria cblC type; methylmalonic aciduria and homocystinuria type cblC. Identifiers: Orphanet 26, Orphanet 79282, MedGen C1848561, MONDO:0010184, OMIM 277400.

Allele frequency attached by ClinVar (database versions not stated): gnomAD 0.00002; TOPMed 0.00002.
gnomAD v4.1: 23 of 1,613,972 alleles (0.0014%); highest among the groups gnomAD compares: African/African-American, 0.0027%; no homozygotes.

Submissions (10):

NHS Central & South Genomic Laboratory Hub
Classification: Pathogenic for Hereditary neuropathy or pain disorder. Last evaluated: 2026-08-06. Review status: criteria provided, single submitter. Criteria: ACMG Guidelines, 2015. Collection method: clinical testing. Allele origin: germline. Affected: yes.

Natera, Inc.
Classification: Pathogenic for Methylmalonic aciduria and homocystinuria cblC type. Last evaluated: 2025-12-11. Review status: criteria provided, single submitter. Criteria: Natera Variant Classification Schema (03/2026). Collection method: clinical testing. Allele origin: germline.
Comment: The c.457C>T variant in MMACHC is a nonsense variant predicted to introduce a stop codon at amino acid 153. This variant is expected to result in nonsense mediated decay, truncation, or a dysfunctional protein product. This variant is rare in the general population with a frequency below the threshold expected for the associated phenotype(s). This variant has been observed in one or more individuals affected with the associated recessive disease, as either homozygous or compound heterozygous with a second variant (PMID: 16714133, 19370762). This variant has been found together with another disease-causing variant in the same copy of the gene (PMID: 19370762). Given the available evidence, this variant is classified as Pathogenic.

Fulgent Genetics
Classification: Pathogenic for Cobalamin C disease. Last evaluated: 2024-06-13. Review status: criteria provided, single submitter. Criteria: ACMG Guidelines, 2015. Collection method: clinical testing. Allele origin: germline.

Blueprint Genetics
Classification: Pathogenic for MMACHC-related disorders. Last evaluated: 2024-04-12. Review status: criteria provided, single submitter. Criteria: ACMG Guidelines, 2015. Collection method: clinical testing. Allele origin: germline. Affected: yes. Observed: 4 variant alleles.

Labcorp Genetics (formerly Invitae), Labcorp
Classification: Pathogenic for Cobalamin C disease. Last evaluated: 2024-02-23. Review status: criteria provided, single submitter. Criteria: Invitae Variant Classification Sherloc (09022015). Collection method: clinical testing. Allele origin: germline.
Comment: This sequence change creates a premature translational stop signal (p.Arg153*) in the MMACHC gene. While this is not anticipated to result in nonsense mediated decay, it is expected to disrupt the last 130 amino acid(s) of the MMACHC protein. This variant is present in population databases (rs757325789, gnomAD 0.006%). This premature translational stop signal has been observed in individual(s) with methylmalonic aciduria and homocystinuria (PMID: 16311595, 28481040, 29453417). ClinVar contains an entry for this variant (Variation ID: 550539). Algorithms developed to predict the effect of sequence changes on RNA splicing suggest that this variant may disrupt the consensus splice site. For these reasons, this variant has been classified as Pathogenic.

CeGaT Center for Human Genetics Tuebingen
Classification: Pathogenic. Last evaluated: 2023-07-01. Review status: criteria provided, single submitter. Criteria: CeGaT Center For Human Genetics Tuebingen Variant Classification Criteria Version 2. Collection method: clinical testing. Allele origin: germline. Affected: yes. Observed: 2 variant alleles.
Comment: MMACHC: PM3:Strong, PVS1:Strong, PM2, PP4

Genome-Nilou Lab
Classification: Pathogenic for Cobalamin C disease. Last evaluated: 2023-04-11. Review status: criteria provided, single submitter. Criteria: ACMG Guidelines, 2015. Collection method: clinical testing. Allele origin: germline. Affected: no.

GeneDx
Classification: Pathogenic. Last evaluated: 2022-09-19. Review status: criteria provided, single submitter. Criteria: GeneDx Variant Classification Process June 2021. Collection method: clinical testing. Allele origin: germline. Affected: yes.
Comment: Nonsense variant in the C-terminus predicted to result in protein truncation, as the last 130 amino acids are lost, and other loss-of-function variants have been reported downstream in HGMD; Not observed at significant frequency in large population cohorts (gnomAD); This variant is associated with the following publications: (PMID: 34102818, 25398587, 19760748, 20631720, 16311595, 28832562, 26270766, 26825575, 19370762, 27014578, 28481040, 32943488, 31137025, 27289364, 30968598, 28693988, 29453417)

Women's Health and Genetics/Laboratory Corporation of America, LabCorp
Classification: Pathogenic for Methylmalonic acidemia with homocystinuria. Last evaluated: 2018-09-24. Review status: criteria provided, single submitter. Criteria: LabCorp Variant Classification Summary - May 2015. Collection method: clinical testing. Allele origin: germline.
Comment: Variant summary: MMACHC c.457C>T (p.Arg153X) results in a premature termination codon, predicted to cause a truncation of the encoded protein or absence of the protein due to nonsense mediated decay, which are commonly known mechanisms for disease. Truncations downstream of this position have been classified as pathogenic by our laboratory (eg. c.481C>T, p.Arg161X; c.547_548delGT, p.Val183fsX5; c.666C>A, p.Tyr222X). The variant allele was found at a frequency of 2e-05 in 245990 control chromosomes (gnomAD and publications). The variant, c.457C>T, has been reported in the literature in multiple individuals affected with Cobalamin C Disease (Methylmalonic Aciduria with Homocystinuria)( Lerner-Ellis_2009, Brooks_2016). These data indicate that the variant is very likely to be associated with disease. To our knowledge, no experimental evidence demonstrating an impact on protein function has been reported. One clinical diagnostic laboratory has submitted clinical-significance assessments for this variant to ClinVar after 2014 without evidence for independent evaluation and classified the variant as pathogenic. Based on the evidence outlined above, the variant was classified as pathogenic.

Counsyl
Classification: Pathogenic for Cobalamin C disease. Last evaluated: 2017-02-08. Review status: no assertion criteria provided. Collection method: clinical testing. Allele origin: unknown. Not counted in ClinVar's aggregate classification.

Literature cited by the submitters: PubMed 16714133 (cited by Natera, Inc.); PubMed 19370762 (cited by Natera, Inc. and Women's Health and Genetics/Laboratory Corporation of America, LabCorp); PubMed 16311595 (cited by Labcorp Genetics (formerly Invitae), Labcorp and Counsyl); PubMed 28481040 (cited by Labcorp Genetics (formerly Invitae), Labcorp); PubMed 29453417 (cited by Labcorp Genetics (formerly Invitae), Labcorp); PubMed 26825575 (cited by Women's Health and Genetics/Laboratory Corporation of America, LabCorp); PubMed 20631720 (cited by Counsyl); PubMed 19760748 (cited by Counsyl).

NM_015506.3(MMACHC):c.457C>T (p.Arg153Ter)

Gene: MMACHC (metabolism of cobalamin associated C; plus strand). Cytogenetic location: 1p34.1.
Variant type: single nucleotide variant.
Coding change: c.457C>T on transcript NM_015506.3 (MANE Select); coding-DNA position 457, C replaced by T.
Protein change: p.Arg153Ter; replaces arginine 153 with a stop codon.
Molecular consequence: nonsense.
Genome position (GRCh38, 1-based): chr1:45,508,823, C>T. VCF-style: chr1-45508823-C-T. GRCh37 (hg19) VCF-style: chr1-45974495-C-T.
Other names: c.286C>T, p.Arg96Ter (NM_001330540.2); short protein forms R153*, R96*.
Identifiers: ClinVar variation 550539 (VCV000550539.45), dbSNP rs757325789, ClinGen allele CA827764.